The following is an entry in ClinVar:

ClinVar aggregate classification (germline): Uncertain significance. Review status: criteria provided, multiple submitters, no conflicts (2 of 4 stars). 2 submissions from 2 submitters: Uncertain significance (2). Last evaluated 2024-10-03.

Conditions:
KBG syndrome (KBGS). Also called: ANKRD11-Related KBG Syndrome. Identifiers: Orphanet 2332, MedGen C0220687, MONDO:0007846, OMIM 148050.

gnomAD v4.1: 1 of 1,575,924 alleles (0.000063%); highest among the groups gnomAD compares: East Asian, 0.0023%; no homozygotes.

Submissions (2):

GeneDx
Classification: Uncertain significance. Last evaluated: 2024-10-03. Review status: criteria provided, single submitter. Criteria: GeneDx Variant Classification Process June 2021. Collection method: clinical testing. Allele origin: germline. Affected: yes.
Comment: Not observed at significant frequency in large population cohorts (gnomAD); In silico analysis indicates that this missense variant does not alter protein structure/function; Has not been previously published as pathogenic or benign to our knowledge

Labcorp Genetics (formerly Invitae), Labcorp
Classification: Uncertain significance for KBG syndrome. Last evaluated: 2022-11-01. Review status: criteria provided, single submitter. Criteria: Invitae Variant Classification Sherloc (09022015). Collection method: clinical testing. Allele origin: germline.
Comment: Advanced modeling of protein sequence and biophysical properties (such as structural, functional, and spatial information, amino acid conservation, physicochemical variation, residue mobility, and thermodynamic stability) performed at Invitae indicates that this missense variant is not expected to disrupt ANKRD11 protein function. In summary, the available evidence is currently insufficient to determine the role of this variant in disease. Therefore, it has been classified as a Variant of Uncertain Significance. This variant has not been reported in the literature in individuals affected with ANKRD11-related conditions. This variant is not present in population databases (gnomAD no frequency). This sequence change replaces proline, which is neutral and non-polar, with alanine, which is neutral and non-polar, at codon 1853 of the ANKRD11 protein (p.Pro1853Ala).

NM_013275.6(ANKRD11):c.5557C>G (p.Pro1853Ala)

Gene: ANKRD11 (ankyrin repeat domain 11; minus strand). Cytogenetic location: 16q24.3.
Variant type: single nucleotide variant.
Coding change: c.5557C>G on transcript NM_013275.6 (MANE Select); coding-DNA position 5557, C replaced by G.
Protein change: p.Pro1853Ala; replaces proline 1853 with alanine.
Molecular consequence: missense variant.
Genome position (GRCh38, 1-based): chr16:89,280,985, G>C on the plus strand (C>G on the coding strand, the complement: ANKRD11 is on the minus strand). VCF-style: chr16-89280985-G-C. GRCh37 (hg19) VCF-style: chr16-89347393-G-C.
Other names: c.5557C>G (NM_013275.5); c.5557C>G, p.Pro1853Ala (NM_001256182.2, NM_001256183.2); short protein forms P1853A.
Identifiers: ClinVar variation 2097636 (VCV002097636.5), dbSNP rs2151743495, ClinGen allele CA397153718.